The following is an entry in ClinVar:

NM_002878.4(RAD51D):c.968T>C (p.Leu323Ser)

Genes: RAD51L3-RFFL (RAD51L3-RFFL readthrough; minus strand), RAD51D (RAD51 paralog D; minus strand). Cytogenetic location: 17q12.
Variant type: single nucleotide variant.
Coding change: c.968T>C on transcript NM_002878.4 (MANE Select); coding-DNA position 968, T replaced by C.
Protein change: p.Leu323Ser; replaces leucine 323 with serine.
Molecular consequence: missense variant. On other transcripts: non-coding transcript variant (2).
Genome position (GRCh38, 1-based): chr17:35,100,972, A>G on the plus strand (T>C on the coding strand, the complement: RAD51D is on the minus strand). VCF-style: chr17-35100972-A-G. GRCh37 (hg19) VCF-style: chr17-33427991-A-G.
Other names: c.1028T>C, p.Leu343Ser (NM_001142571.2); c.632T>C, p.Leu211Ser (NM_133629.3); short protein forms L343S, L211S, L323S.
Identifiers: ClinVar variation 1767798 (VCV001767798.4), dbSNP rs2142408730, ClinGen allele CA399086062.

ClinVar aggregate classification (germline): Conflicting classifications of pathogenicity. Review status: criteria provided, conflicting classifications (1 of 4 stars). 2 submissions from 2 submitters: Uncertain significance (1); Likely benign (1). Last evaluated 2024-02-26.

Conditions:
Hereditary cancer-predisposing syndrome. Also called: Hereditary Cancer Syndrome; Hereditary neoplastic syndrome; Neoplastic Syndromes, Hereditary; Tumor predisposition. Identifiers: Orphanet 140162, MedGen C0027672, MeSH D009386, MONDO:0015356.
Breast-ovarian cancer, familial, susceptibility to, 4. Identifiers: Orphanet 145, MedGen C3280345, MONDO:0013669, OMIM 614291.

Submissions (2):

Ambry Genetics
Classification: Likely benign for Hereditary cancer-predisposing syndrome. Last evaluated: 2024-02-26. Review status: criteria provided, single submitter. Criteria: Ambry Variant Classification Scheme 2023. Collection method: clinical testing. Allele origin: germline.

Labcorp Genetics (formerly Invitae), Labcorp
Classification: Uncertain significance for Breast-ovarian cancer, familial, susceptibility to, 4. Last evaluated: 2021-07-25. Review status: criteria provided, single submitter. Criteria: Invitae Variant Classification Sherloc (09022015). Collection method: clinical testing. Allele origin: germline.
Comment: This sequence change replaces leucine with serine at codon 323 of the RAD51D protein (p.Leu323Ser). The leucine residue is weakly conserved and there is a large physicochemical difference between leucine and serine. This variant is not present in population databases (ExAC no frequency). This variant has not been reported in the literature in individuals affected with RAD51D-related conditions. Algorithms developed to predict the effect of missense changes on protein structure and function (SIFT, PolyPhen-2, Align-GVGD) all suggest that this variant is likely to be tolerated. In summary, the available evidence is currently insufficient to determine the role of this variant in disease. Therefore, it has been classified as a Variant of Uncertain Significance.